The following is an entry in ClinVar:

ClinVar aggregate classification (germline): Uncertain significance (1 of 4 stars; one submission).

Conditions:
Charcot-Marie-Tooth disease type 4A. Also called: Charcot-Marie-Tooth disease, demyelinating, autosomal recessive, type 4a. Identifiers: Orphanet 99948, MedGen C1859198, MONDO:0008961, OMIM 214400.

Allele frequency attached by ClinVar (database versions not stated): TOPMed below 0.00001; gnomAD exomes 0.00001.
gnomAD v4.1: 2 of 1,614,160 alleles (0.00012%); highest among the groups gnomAD compares: Admixed American, 0.0033%; no homozygotes.

Submission:

Labcorp Genetics (formerly Invitae), Labcorp
Classification: Uncertain significance for Charcot-Marie-Tooth disease type 4A. Last evaluated: 2022-07-05. Review status: criteria provided, single submitter. Criteria: Invitae Variant Classification Sherloc (09022015). Collection method: clinical testing. Allele origin: germline.
Comment: In summary, the available evidence is currently insufficient to determine the role of this variant in disease. Therefore, it has been classified as a Variant of Uncertain Significance. Advanced modeling of protein sequence and biophysical properties (such as structural, functional, and spatial information, amino acid conservation, physicochemical variation, residue mobility, and thermodynamic stability) performed at Invitae indicates that this missense variant is expected to disrupt GDAP1 protein function. ClinVar contains an entry for this variant (Variation ID: 1054991). This variant has not been reported in the literature in individuals affected with GDAP1-related conditions. This variant is present in population databases (no rsID available, gnomAD 0.006%). This sequence change replaces cysteine, which is neutral and slightly polar, with arginine, which is basic and polar, at codon 51 of the GDAP1 protein (p.Cys51Arg).

NM_018972.4(GDAP1):c.151T>C (p.Cys51Arg)

Gene: GDAP1 (ganglioside induced differentiation associated protein 1; plus strand). Cytogenetic location: 8q21.11.
Variant type: single nucleotide variant.
Coding change: c.151T>C on transcript NM_018972.4 (MANE Select); coding-DNA position 151, T replaced by C.
Protein change: p.Cys51Arg; replaces cysteine 51 with arginine.
Molecular consequence: missense variant. On other transcripts: 5 prime UTR variant (2), intron variant (1).
Genome position (GRCh38, 1-based): chr8:74,351,307, T>C. VCF-style: chr8-74351307-T-C. GRCh37 (hg19) VCF-style: chr8-75263542-T-C.
Other names: c.-54T>C (NM_001040875.4); c.-32T>C (NM_001362929.2); c.151T>C, p.Cys51Arg (NM_001362930.2, NM_001362931.2); c.-18+729T>C (NM_001362932.2); short protein forms C51R.
Identifiers: ClinVar variation 1054991 (VCV001054991.8), dbSNP rs960211384, ClinGen allele CA179355357.